The following is an entry in ClinVar:

ClinVar aggregate classification (germline): Uncertain significance (1 of 4 stars; one submission).

Conditions:
Cone-rod dystrophy 13 (CORD13). Identifiers: Orphanet 1872, MedGen C2750720, MONDO:0011987, OMIM 608194.
Leber congenital amaurosis 6 (LCA6). Identifiers: Orphanet 65, MedGen C1854260, MONDO:0013446, OMIM 613826.

Submission:

Labcorp Genetics (formerly Invitae), Labcorp
Classification: Uncertain significance for Leber congenital amaurosis 6; Cone-rod dystrophy 13. Last evaluated: 2022-08-11. Review status: criteria provided, single submitter. Criteria: Invitae Variant Classification Sherloc (09022015). Collection method: clinical testing. Allele origin: germline.
Comment: In summary, the available evidence is currently insufficient to determine the role of this variant in disease. Therefore, it has been classified as a Variant of Uncertain Significance. Algorithms developed to predict the effect of missense changes on protein structure and function (SIFT, PolyPhen-2, Align-GVGD) all suggest that this variant is likely to be tolerated. This variant has not been reported in the literature in individuals affected with RPGRIP1-related conditions. This variant is not present in population databases (gnomAD no frequency). This sequence change replaces methionine, which is neutral and non-polar, with valine, which is neutral and non-polar, at codon 58 of the RPGRIP1 protein (p.Met58Val).

NM_020366.4(RPGRIP1):c.172A>G (p.Met58Val)

Gene: RPGRIP1 (RPGR interacting protein 1; plus strand). Cytogenetic location: 14q11.2.
Variant type: single nucleotide variant.
Coding change: c.172A>G on transcript NM_020366.4 (MANE Select); coding-DNA position 172, A replaced by G.
Protein change: p.Met58Val; replaces methionine 58 with valine.
Molecular consequence: missense variant.
Genome position (GRCh38, 1-based): chr14:21,294,763, A>G. VCF-style: chr14-21294763-A-G. GRCh37 (hg19) VCF-style: chr14-21762922-A-G.
Other names: short protein forms M58V.
Identifiers: ClinVar variation 1904111 (VCV001904111.5), dbSNP rs2502690271, ClinGen allele CA388857814.
Genomic context (GRCh38, chr14:21,294,763, plus strand): 5'-TTGAGCAGGATGAACCGGGAGGAATTGGAGGACAGTTTCTTTCGACTTCGCGAAGATCAC[A>G]TGTTGGTGAAGGAGCTTTCTTGGAAGCAACAGGATGAGATCAAAAGGTACTTAGAGTTCT-3'
Protein context (NP_065099.3, residues 48-68): DSFFRLREDH[Met58Val]LVKELSWKQQ